The following is an entry in ClinVar:

ClinVar aggregate classification (germline): Conflicting classifications of pathogenicity. Review status: criteria provided, conflicting classifications (1 of 4 stars). 2 submissions from 2 submitters: Pathogenic (1); Uncertain significance (1). Last evaluated 2025-11-05.

Conditions:
Gamma-aminobutyric acid transaminase deficiency (GABATD). Also called: GABA aminotransaminase deficiency; GABA transaminase deficiency; Gamma aminobutyrate transaminase deficiency; 4 alpha aminobutyrate transaminase deficiency. Identifiers: Orphanet 2066, MedGen C0342708, MONDO:0013166, OMIM 613163.

gnomAD v4.1: 2 of 1,614,136 alleles (0.00012%); highest among the groups gnomAD compares: Admixed American, 0.0017%; no homozygotes.

Submissions (2):

Labcorp Genetics (formerly Invitae), Labcorp
Classification: Pathogenic for Gamma-aminobutyric acid transaminase deficiency. Last evaluated: 2025-11-05. Review status: criteria provided, single submitter. Criteria: Invitae Variant Classification Sherloc (09022015). Collection method: clinical testing. Allele origin: germline.
Comment: This sequence change creates a premature translational stop signal (p.Tyr77*) in the ABAT gene. It is expected to result in an absent or disrupted protein product. Loss-of-function variants in ABAT are known to be pathogenic (PMID: 20052547, 25738457). This variant is present in population databases (no rsID available, gnomAD 0.003%). This premature translational stop signal has been observed in individual(s) with a developmental disorder (PMID: 30091983). ClinVar contains an entry for this variant (Variation ID: 3340857). Algorithms developed to predict the effect of sequence changes on RNA splicing suggest that this variant may disrupt the consensus splice site. For these reasons, this variant has been classified as Pathogenic.

GeneDx
Classification: Uncertain significance. Last evaluated: 2023-10-06. Review status: criteria provided, single submitter. Criteria: GeneDx Variant Classification Process June 2021. Collection method: clinical testing. Allele origin: germline. Affected: yes.
Comment: Reported previously as a heterozygous maternally inherited likely pathogenic variant in a patient with intellectual disability; however, the patient also harbored a heterozygous paternally inherited pathogenic variant in a different gene and no further clinical information was provided (Gieldon et al., 2018); Not observed at significant frequency in large population cohorts (gnomAD); Nonsense variant predicted to result in protein truncation or nonsense mediated decay in a gene or region of a gene for which loss of function is not a well-established mechanism of disease; This variant is associated with the following publications: (PMID: 30091983)

Literature cited by the submitters: PubMed 20052547 (cited by Labcorp Genetics (formerly Invitae), Labcorp); PubMed 25738457 (cited by Labcorp Genetics (formerly Invitae), Labcorp); PubMed 30091983 (cited by Labcorp Genetics (formerly Invitae), Labcorp).

NM_020686.6(ABAT):c.231C>G (p.Tyr77Ter)

Gene: ABAT (4-aminobutyrate aminotransferase; plus strand). Cytogenetic location: 16p13.2.
Variant type: single nucleotide variant.
Coding change: c.231C>G on transcript NM_020686.6 (MANE Select); coding-DNA position 231, C replaced by G.
Protein change: p.Tyr77Ter; replaces tyrosine 77 with a stop codon.
Molecular consequence: nonsense. On other transcripts: intron variant (2).
Genome position (GRCh38, 1-based): chr16:8,750,454, C>G. VCF-style: chr16-8750454-C-G. GRCh37 (hg19) VCF-style: chr16-8844311-C-G.
Other names: c.231C>G, p.Tyr77Ter (NM_000663.5, NM_001127448.2, NM_001386600.1 and 11 more transcripts); c.96C>G, p.Tyr32Ter (NM_001386611.1, NM_001386612.1, NM_001386613.1); c.101-5C>G (NM_001386610.1); c.71-7303C>G (NM_001386614.1); short protein forms Y32*, Y77*.
Identifiers: ClinVar variation 3340857 (VCV003340857.3).